The following is an entry in ClinVar:

ClinVar aggregate classification (germline): Pathogenic (1 of 4 stars; one submission).

Submission:

Labcorp Genetics (formerly Invitae), Labcorp
Classification: Pathogenic. Last evaluated: 2022-01-19. Review status: criteria provided, single submitter. Criteria: Invitae Variant Classification Sherloc (09022015). Collection method: clinical testing. Allele origin: germline.
Comment: This sequence change creates a premature translational stop signal (p.Trp389*) in the GLE1 gene. It is expected to result in an absent or disrupted protein product. Loss-of-function variants in GLE1 are known to be pathogenic (PMID: 18204449, 24243016, 27684565). This variant is not present in population databases (gnomAD no frequency). This variant has not been reported in the literature in individuals affected with GLE1-related conditions. For these reasons, this variant has been classified as Pathogenic.

Literature cited by the submitters: PubMed 18204449; PubMed 24243016; PubMed 27684565.

NM_001003722.2(GLE1):c.1166G>A (p.Trp389Ter)

Gene: GLE1 (GLE1 RNA export mediator; plus strand). Cytogenetic location: 9q34.11.
Variant type: single nucleotide variant.
Coding change: c.1166G>A on transcript NM_001003722.2 (MANE Select); coding-DNA position 1166, G replaced by A.
Protein change: p.Trp389Ter; replaces tryptophan 389 with a stop codon.
Molecular consequence: nonsense.
Genome position (GRCh38, 1-based): chr9:128,527,215, G>A. VCF-style: chr9-128527215-G-A. GRCh37 (hg19) VCF-style: chr9-131289494-G-A.
Other names: c.1166G>A, p.Trp389Ter (NM_001499.2); short protein forms W389*.
Identifiers: ClinVar variation 1451778 (VCV001451778.6), dbSNP rs2132472743, ClinGen allele CA375041658.